The following is an entry in ClinVar:

NM_000492.4(CFTR):c.2658-2A>G

Gene: CFTR (CF transmembrane conductance regulator; plus strand). Cytogenetic location: 7q31.2.
Variant type: single nucleotide variant.
Coding change: c.2658-2A>G on transcript NM_000492.4 (MANE Select); the canonical splice acceptor site of the intron before coding-DNA position 2658, A replaced by G.
Molecular consequence: splice acceptor variant.
Genome position (GRCh38, 1-based): chr7:117,603,530, A>G. VCF-style: chr7-117603530-A-G. GRCh37 (hg19) VCF-style: chr7-117243584-A-G.
Other names: c.2658-2A>G (NM_000492.3).
Identifiers: ClinVar variation 498029 (VCV000498029.8), dbSNP rs1554390958, ClinGen allele CA368986369.
Genomic context (GRCh38, chr7:117,603,530, plus strand): 5'-TGTATTGGAAATTCAGTAAGTAACTTTGGCTGCCAAATAACGATTTCCTATTTGCTTTAC[A>G]GCACTCCTCTTCAAGACAAAGGGAATAGTACTCATAGTAGAAATAACAGCTATGCAGTGA-3'

ClinVar aggregate classification (germline): Pathogenic/Likely pathogenic. Review status: criteria provided, multiple submitters, no conflicts (2 of 4 stars). 4 submissions from 4 submitters: Pathogenic (3); Likely pathogenic (1). Last evaluated 2024-10-02.

Conditions:
Bronchiectasis with or without elevated sweat chloride 1 (BESC1). Also called: Cystic Fibrosis-Like Syndrome. Identifiers: Orphanet 60033, MedGen C2749757, MONDO:0008887, OMIM 211400.
Cystic fibrosis (CF). Also called: MUCOVISCIDOSIS. Identifiers: Orphanet 586, MedGen C0010674, MONDO:0009061, OMIM 219700. Disease mechanism: loss of function.

Submissions (4):

Ambry Genetics
Classification: Likely pathogenic for Cystic fibrosis. Last evaluated: 2024-10-02. Review status: criteria provided, single submitter. Criteria: Ambry Variant Classification Scheme 2023. Collection method: clinical testing. Allele origin: germline.
Comment: The c.2658-2A>G intronic variant results from an A to G substitution two nucleotides before coding exon 17 in the CFTR gene. This variant has been identified in the homozygous state in an individual with features consistent with cystic fibrosis or CFTR-related disorder (Marigo C et al. Mol Cell Probes, 1995 Apr;9:139-41). This nucleotide position is highly conserved in available vertebrate species. In silico splice site analysis predicts that this alteration will weaken the native splice acceptor site. This variant is considered to be rare based on population cohorts in the Genome Aggregation Database (gnomAD). In addition to the clinical data presented in the literature, alterations that disrupt the canonical splice site are expected to cause aberrant splicing, resulting in an abnormal protein or a transcript that is subject to nonsense-mediated mRNA decay. As such, this alteration is classified as likely pathogenic.

Baylor Genetics
Classification: Pathogenic for Bronchiectasis with or without elevated sweat chloride 1. Last evaluated: 2024-03-18. Review status: criteria provided, single submitter. Criteria: ACMG Guidelines, 2015. Collection method: clinical testing. Allele origin: unknown.

Mendelics
Classification: Pathogenic for Cystic fibrosis. Last evaluated: 2018-11-05. Review status: criteria provided, single submitter. Criteria: Mendelics Assertion Criteria 2017. Collection method: clinical testing. Allele origin: unknown. Affected: yes.

Eurofins Ntd Llc (ga)
Classification: Pathogenic. Last evaluated: 2016-10-17. Review status: criteria provided, single submitter. Criteria: EGL Classification Definitions 2015. Collection method: clinical testing. Allele origin: germline. Observed: 1 variant allele, 1 heterozygote.

Literature cited by the submitters: PubMed 32429104 (cited by Ambry Genetics); PubMed 7541511 (cited by Ambry Genetics).